The following is an entry in ClinVar:

ClinVar aggregate classification (germline): Uncertain significance (1 of 4 stars; one submission).

Conditions:
Hermansky-Pudlak syndrome 2 (HPS2). Also called: Platelet defects and oculocutaneous albinism. Identifiers: Orphanet 183678, Orphanet 79430, MedGen C1842362, MONDO:0011997, OMIM 608233.

Allele frequency attached by ClinVar (database versions not stated): TOPMed below 0.00001; ESP Exome Variant Server 0.00008.

Submission:

Labcorp Genetics (formerly Invitae), Labcorp
Classification: Uncertain significance for Hermansky-Pudlak syndrome 2. Last evaluated: 2021-12-19. Review status: criteria provided, single submitter. Criteria: Invitae Variant Classification Sherloc (09022015). Collection method: clinical testing. Allele origin: germline.
Comment: In summary, the available evidence is currently insufficient to determine the role of this variant in disease. Therefore, it has been classified as a Variant of Uncertain Significance. Algorithms developed to predict the effect of missense changes on protein structure and function (SIFT, PolyPhen-2, Align-GVGD) all suggest that this variant is likely to be tolerated. This variant has not been reported in the literature in individuals affected with AP3B1-related conditions. This variant is not present in population databases (gnomAD no frequency). This sequence change replaces phenylalanine, which is neutral and non-polar, with tyrosine, which is neutral and polar, at codon 37 of the AP3B1 protein (p.Phe37Tyr).

NM_003664.5(AP3B1):c.110T>A (p.Phe37Tyr)

Gene: AP3B1 (adaptor related protein complex 3 subunit beta 1; minus strand). Cytogenetic location: 5q14.1.
Variant type: single nucleotide variant.
Coding change: c.110T>A on transcript NM_003664.5 (MANE Select); coding-DNA position 110, T replaced by A.
Protein change: p.Phe37Tyr; replaces phenylalanine 37 with tyrosine.
Molecular consequence: missense variant. On other transcripts: 5 prime UTR variant (1).
Genome position (GRCh38, 1-based): chr5:78,294,470, A>T on the plus strand (T>A on the coding strand, the complement: AP3B1 is on the minus strand). VCF-style: chr5-78294470-A-T. GRCh37 (hg19) VCF-style: chr5-77590294-A-T.
Other names: c.-50T>A (NM_001271769.2); c.110T>A, p.Phe37Tyr (NM_001410752.1); short protein forms F37Y.
Identifiers: ClinVar variation 2047676 (VCV002047676.4), dbSNP rs372674173, ClinGen allele CA121623958.